The following is an entry in ClinVar:

NM_000748.3(CHRNB2):c.952G>A (p.Val318Met)

Gene: CHRNB2 (cholinergic receptor nicotinic beta 2 subunit; plus strand). Cytogenetic location: 1q21.3.
Variant type: single nucleotide variant.
Coding change: c.952G>A on transcript NM_000748.3 (MANE Select); coding-DNA position 952, G replaced by A.
Protein change: p.Val318Met; replaces valine 318 with methionine.
Molecular consequence: missense variant.
Genome position (GRCh38, 1-based): chr1:154,571,775, G>A. VCF-style: chr1-154571775-G-A. GRCh37 (hg19) VCF-style: chr1-154544251-G-A.
Other names: short protein forms V318M.
Identifiers: ClinVar variation 3681204 (VCV003681204.2).
Genomic context (GRCh38, chr1:154,571,775, plus strand): 5'-GGCAAGTACCTCATGTTCACCATGGTGCTTGTCACCTTCTCCATCGTCACCAGCGTGTGC[G>A]TGCTCAACGTGCACCACCGCTCGCCCACCACGCACACCATGGCGCCCTGGGTGAAGGTCG-3'
Protein context (NP_000739.1, residues 308-328): VTFSIVTSVC[Val318Met]LNVHHRSPTT

ClinVar aggregate classification (germline): Uncertain significance (1 of 4 stars; one submission).

Conditions:
Familial sleep-related hypermotor epilepsy. Also called: Autosomal Dominant Sleep-Related Hypermotor (Hyperkinetic) Epilepsy. Identifiers: Orphanet 98784, MedGen C3696898, MONDO:0000030.

Submission:

Labcorp Genetics (formerly Invitae), Labcorp
Classification: Uncertain significance. Last evaluated: 2024-05-08. Review status: criteria provided, single submitter. Criteria: Invitae Variant Classification Sherloc (09022015). Collection method: clinical testing. Allele origin: germline.
Comment: This sequence change replaces valine, which is neutral and non-polar, with methionine, which is neutral and non-polar, at codon 318 of the CHRNB2 protein (p.Val318Met). This variant is not present in population databases (gnomAD no frequency). This variant has not been reported in the literature in individuals affected with CHRNB2-related conditions. Advanced modeling of protein sequence and biophysical properties (such as structural, functional, and spatial information, amino acid conservation, physicochemical variation, residue mobility, and thermodynamic stability) performed at Invitae indicates that this missense variant is expected to disrupt CHRNB2 protein function with a positive predictive value of 80%. In summary, the available evidence is currently insufficient to determine the role of this variant in disease. Therefore, it has been classified as a Variant of Uncertain Significance.